The following is an entry in ClinVar:

NM_000337.6(SGCD):c.91C>G (p.Arg31Gly)

Gene: SGCD (sarcoglycan delta; plus strand). Cytogenetic location: 5q33.3.
Variant type: single nucleotide variant.
Coding change: c.91C>G on transcript NM_000337.6 (MANE Select); coding-DNA position 91, C replaced by G.
Protein change: p.Arg31Gly; replaces arginine 31 with glycine.
Molecular consequence: missense variant.
Genome position (GRCh38, 1-based): chr5:156,344,576, C>G. VCF-style: chr5-156344576-C-G. GRCh37 (hg19) VCF-style: chr5-155771586-C-G.
Other names: NM_000337.6(SGCD):c.91C>G; p.Arg31Gly; c.88C>G, p.Arg30Gly (NM_001128209.2); c.91C>G, p.Arg31Gly (NM_172244.3); short protein forms R31G, R30G.
Identifiers: ClinVar variation 192194 (VCV000192194.2), dbSNP rs202223676, ClinGen allele CA200046.

ClinVar aggregate classification (germline): Uncertain significance. Review status: reviewed by expert panel (3 of 4 stars). 2 submissions from 2 submitters: Uncertain significance (1). 1 of the submissions does not count toward it. Last evaluated 2025-01-08.

Conditions:
Autosomal recessive limb-girdle muscular dystrophy. Identifiers: Orphanet 102015, MedGen C2931907, MONDO:0015152.

Submissions (2):

ClinGen Limb Girdle Muscular Dystrophy Variant Curation Expert Panel, ClinGen
Classification: Uncertain significance for Autosomal recessive limb-girdle muscular dystrophy. Last evaluated: 2025-01-08. Review status: reviewed by expert panel. Criteria: ClinGen LGMD VCEP ACMG Specifications SGCD V1.0.0. Collection method: curation. Allele origin: germline. Inheritance: Autosomal recessive inheritance.
Comment: The NM_000337.6: c.91C>G variant in SGCD is a missense variant predicted to cause substitution of arginine by glycine at amino acid 31 (p.Arg31Gly). This variant is absent from gnomAD v2.1.1 and v4.1.0 genomes (note that the variant fails filter in exome data, suggesting it may be a sequencing artifact) (PM2_Supporting). The computational predictor REVEL gives a score of 0.85, which is above the threshold of ≥0.70, evidence that correlates with impact to SGCD function (PP3). In summary, this variant meets the criteria to be classified as a variant of uncertain significance for autosomal recessive limb girdle muscular dystrophy based on the ACMG/AMP criteria applied, as specified by the ClinGen LGMD VCEP (LGMD VCEP specifications version 1.0.0; 01/08/2025): PM2_Supporting, PP3.

Biesecker Lab/Clinical Genomics Section, National Institutes of Health
Classification: Benign. Last evaluated: 2013-06-24. Review status: criteria provided, single submitter. Criteria: Ng et al. (Circ Cardiovasc Genet. 2013). Collection method: research. Allele origin: unknown. Observed: 106 variant alleles. Study: ClinSeq. Not counted in ClinVar's aggregate classification.
Comment: The study set was not selected for affection status in relation to any cancer. Pathogenicity categories were based on literature curation. See Pubmed ID:23861362 for details.

Medical sequencing